The following is an entry in ClinVar:

NM_001127671.2(LIFR):c.1370del (p.Gly457fs)

Gene: LIFR (LIF receptor subunit alpha; minus strand). Cytogenetic location: 5p13.1.
Variant type: Deletion.
Coding change: c.1370del on transcript NM_001127671.2 (MANE Select); coding-DNA position 1370, one base deleted (G; older notation c.1370delG).
Protein change: p.Gly457fs; shifts the reading frame from glycine 457.
Molecular consequence: frameshift variant.
Genome position (GRCh38, 1-based): chr5:38,504,043, C deleted on the plus strand (G on the coding strand, the reverse complement: LIFR is on the minus strand); the first of 2 consecutive C bases (chr5:38,504,043-38,504,044); deleting either gives the same sequence. VCF-style (leftmost placement, unchanged base first): chr5-38504042-GC-G. GRCh37 (hg19) VCF-style: chr5-38504144-GC-G.
Other names: c.1370del, p.Gly457fs (NM_001364297.2, NM_001364298.2, NM_002310.6); short protein forms G457fs.
Identifiers: ClinVar variation 4719228 (VCV004719228.1).

ClinVar aggregate classification (germline): Pathogenic (1 of 4 stars; one submission).

Submission:

Labcorp Genetics (formerly Invitae), Labcorp
Classification: Pathogenic. Last evaluated: 2025-05-08. Review status: criteria provided, single submitter. Criteria: Invitae Variant Classification Sherloc (09022015). Collection method: clinical testing. Allele origin: germline.
Comment: This sequence change creates a premature translational stop signal (p.Gly457Alafs*31) in the LIFR gene. It is expected to result in an absent or disrupted protein product. Loss-of-function variants in LIFR are known to be pathogenic (PMID: 14740318). This variant is not present in population databases (gnomAD no frequency). This variant has not been reported in the literature in individuals affected with LIFR-related conditions. For these reasons, this variant has been classified as Pathogenic.

Literature cited by the submitters: PubMed 14740318.